The following is an entry in ClinVar:

NM_001288705.3(CSF1R):c.236C>T (p.Thr79Met)

Gene: CSF1R (colony stimulating factor 1 receptor; minus strand). Cytogenetic location: 5q32.
Variant type: single nucleotide variant.
Coding change: c.236C>T on transcript NM_001288705.3 (MANE Select); coding-DNA position 236, C replaced by T.
Protein change: p.Thr79Met; replaces threonine 79 with methionine.
Molecular consequence: missense variant. On other transcripts: 5 prime UTR variant (1), non-coding transcript variant (2).
Genome position (GRCh38, 1-based): chr5:150,080,838, G>A on the plus strand (C>T on the coding strand, the complement: CSF1R is on the minus strand). VCF-style: chr5-150080838-G-A. GRCh37 (hg19) VCF-style: chr5-149460401-G-A.
Other names: c.236C>T, p.Thr79Met (NM_001349736.2, NM_001375320.1, NM_005211.4); c.-209C>T (NM_001375321.1); short protein forms T79M.
Identifiers: ClinVar variation 2803360 (VCV002803360.3), dbSNP rs1414323194, ClinGen allele CA361736159.

ClinVar aggregate classification (germline): Uncertain significance (1 of 4 stars; one submission).

Submission:

Labcorp Genetics (formerly Invitae), Labcorp
Classification: Uncertain significance. Last evaluated: 2023-10-11. Review status: criteria provided, single submitter. Criteria: Invitae Variant Classification Sherloc (09022015). Collection method: clinical testing. Allele origin: germline.
Comment: This sequence change replaces threonine, which is neutral and polar, with methionine, which is neutral and non-polar, at codon 79 of the CSF1R protein (p.Thr79Met). This variant is not present in population databases (gnomAD no frequency). This missense change has been observed in individual(s) with CSF1R-related conditions (PMID: 34652888). Advanced modeling of protein sequence and biophysical properties (such as structural, functional, and spatial information, amino acid conservation, physicochemical variation, residue mobility, and thermodynamic stability) performed at Invitae indicates that this missense variant is not expected to disrupt CSF1R protein function. In summary, the available evidence is currently insufficient to determine the role of this variant in disease. Therefore, it has been classified as a Variant of Uncertain Significance.

Literature cited by the submitters: PubMed 34652888.